The following is an entry in ClinVar:

NM_053025.4(MYLK):c.3695C>T (p.Pro1232Leu)

Gene: MYLK (myosin light chain kinase; minus strand). Cytogenetic location: 3q21.1.
Variant type: single nucleotide variant.
Coding change: c.3695C>T on transcript NM_053025.4 (MANE Select); coding-DNA position 3695, C replaced by T.
Protein change: p.Pro1232Leu; replaces proline 1232 with leucine.
Molecular consequence: missense variant.
Genome position (GRCh38, 1-based): chr3:123,667,145, G>A on the plus strand (C>T on the coding strand, the complement: MYLK is on the minus strand). VCF-style: chr3-123667145-G-A. GRCh37 (hg19) VCF-style: chr3-123385992-G-A.
Other names: c.3167C>T, p.Pro1056Leu (NM_001321309.2); c.3488C>T, p.Pro1163Leu (NM_053026.4, NM_053028.4); c.3695C>T, p.Pro1232Leu (NM_053027.4); short protein forms P1232L, P1056L, P1163L.
Identifiers: ClinVar variation 547558 (VCV000547558.13), dbSNP rs774553050, ClinGen allele CA070048.

ClinVar aggregate classification (germline): Conflicting classifications of pathogenicity. Review status: criteria provided, conflicting classifications (1 of 4 stars). 6 submissions from 6 submitters: Uncertain significance (5); Likely benign (1). Last evaluated 2025-04-23.

Conditions:
Aortic aneurysm, familial thoracic 7 (AAT7). Also called: AORTIC DISSECTION, FAMILIAL, WITH OR WITHOUT AORTIC ANEURYSM. Identifiers: MedGen C3151077, MONDO:0013418, OMIM 613780.
Megacystis-microcolon-intestinal hypoperistalsis syndrome 1. Identifiers: MedGen C5542316, MONDO:0100354, OMIM 249210.
Connective tissue disorder. Also called: Connective tissue disease. Identifiers: MedGen C0009782, MONDO:0003900.
Familial thoracic aortic aneurysm and aortic dissection (TAAD). Also called: Thoracic aortic aneurysms and dissections. Identifiers: Orphanet 91387, MedGen C4707243, MONDO:0019625.

Allele frequency attached by ClinVar (database versions not stated): gnomAD 0.00001 and 0.00002; gnomAD exomes 0.00001 and 0.00002; ExAC 0.00002; TOPMed 0.00003.
gnomAD v4.1: 17 of 1,613,978 alleles (0.0011%); highest among the groups gnomAD compares: Admixed American, 0.012%; no homozygotes.

Submissions (6):

Labcorp Genetics (formerly Invitae), Labcorp
Classification: Uncertain significance for Aortic aneurysm, familial thoracic 7. Last evaluated: 2025-04-23. Review status: criteria provided, single submitter. Criteria: Invitae Variant Classification Sherloc (09022015). Collection method: clinical testing. Allele origin: germline.
Comment: This sequence change replaces proline, which is neutral and non-polar, with leucine, which is neutral and non-polar, at codon 1232 of the MYLK protein (p.Pro1232Leu). This variant is present in population databases (rs774553050, gnomAD 0.01%). This variant has not been reported in the literature in individuals affected with MYLK-related conditions. ClinVar contains an entry for this variant (Variation ID: 547558). Invitae Evidence Modeling of protein sequence and biophysical properties (such as structural, functional, and spatial information, amino acid conservation, physicochemical variation, residue mobility, and thermodynamic stability) indicates that this missense variant is not expected to disrupt MYLK protein function with a negative predictive value of 80%. In summary, the available evidence is currently insufficient to determine the role of this variant in disease. Therefore, it has been classified as a Variant of Uncertain Significance.

Blueprint Genetics
Classification: Likely benign. Last evaluated: 2024-10-24. Review status: criteria provided, single submitter. Criteria: ACMG Guidelines, 2015. Collection method: clinical testing. Allele origin: germline.

Clinical Genomics Laboratory, Washington University in St. Louis
Classification: Uncertain significance for Aortic aneurysm, familial thoracic 7. Last evaluated: 2024-10-17. Review status: criteria provided, single submitter. Criteria: ACMG Guidelines, 2015. Collection method: clinical testing. Allele origin: germline.
Comment: The MYLK c.3695C>T (p.Pro1232Leu) variant, to our knowledge, has not been reported in the medical literature. The highest population minor allele frequency in the population database genome aggregation database (v.2.1.1) is 0.01% in the American population. This variant was reported in the ClinVar database as a variant of uncertain significance by four submitters (ClinVar ID: 547558). Computational predictors indicated that this variant has no impact on MYLK function. Due to limited information and based on ACMG/AMP guidelines for variant interpretation (Richards S et al., PMID: 25741868), the clinical significance of this variant is uncertain at this time.

Fulgent Genetics
Classification: Uncertain significance for Megacystis-microcolon-intestinal hypoperistalsis syndrome 1; Aortic aneurysm, familial thoracic 7. Last evaluated: 2021-10-06. Review status: criteria provided, single submitter. Criteria: ACMG Guidelines, 2015. Collection method: clinical testing. Allele origin: unknown.

Ambry Genetics
Classification: Uncertain significance for Familial thoracic aortic aneurysm and aortic dissection. Last evaluated: 2020-10-27. Review status: criteria provided, single submitter. Criteria: Ambry Variant Classification Scheme 2023. Collection method: clinical testing. Allele origin: germline.
Comment: The p.P1232L variant (also known as c.3695C>T), located in coding exon 18 of the MYLK gene, results from a C to T substitution at nucleotide position 3695. The proline at codon 1232 is replaced by leucine, an amino acid with similar properties. This amino acid position is not well conserved in available vertebrate species, and leucine is the reference amino acid in other vertebrate species. In addition, this alteration is predicted to be tolerated by in silico analysis. Since supporting evidence is limited at this time, the clinical significance of this alteration remains unclear.

Center for Human Genetics, Inc
Classification: Uncertain significance for Connective tissue disorder. Last evaluated: 2016-11-01. Review status: criteria provided, single submitter. Criteria: ACMG Guidelines, 2015. Collection method: clinical testing. Allele origin: germline. Affected: yes.